The following is an entry in ClinVar:

ClinVar aggregate classification (germline): Uncertain significance. Review status: criteria provided, multiple submitters, no conflicts (2 of 4 stars). 6 submissions from 6 submitters: Uncertain significance (6). Last evaluated 2024-10-02.

Conditions:
Inborn genetic diseases. Identifiers: MedGen C0950123, MeSH D030342.
Aicardi-Goutieres syndrome 2. Identifiers: Orphanet 51, MedGen C3489724, MONDO:0012429, OMIM 610181.

Allele frequency attached by ClinVar (database versions not stated): ExAC 0.00009; gnomAD exomes 0.00015; gnomAD 0.00018 and 0.00020; TOPMed 0.00029; ESP Exome Variant Server 0.00031.
gnomAD v4.1: 559 of 1,613,012 alleles (0.035%); highest among the groups gnomAD compares: Non-Finnish European, 0.046%; no homozygotes.

Submissions (6):

Blueprint Genetics
Classification: Uncertain significance. Last evaluated: 2024-10-02. Review status: criteria provided, single submitter. Criteria: ACMG Guidelines, 2015. Collection method: clinical testing. Allele origin: germline.

Ambry Genetics
Classification: Uncertain significance for Inborn genetic diseases. Last evaluated: 2024-03-05. Review status: criteria provided, single submitter. Criteria: Ambry Variant Classification Scheme 2023. Collection method: clinical testing. Allele origin: germline.

CeGaT Center for Human Genetics Tuebingen
Classification: Uncertain significance. Last evaluated: 2023-10-01. Review status: criteria provided, single submitter. Criteria: CeGaT Center For Human Genetics Tuebingen Variant Classification Criteria Version 2. Collection method: clinical testing. Allele origin: germline. Affected: yes. Observed: 1 variant allele.
Comment: RNASEH2B: PM2

Labcorp Genetics (formerly Invitae), Labcorp
Classification: Uncertain significance for Aicardi-Goutieres syndrome 2. Last evaluated: 2022-08-31. Review status: criteria provided, single submitter. Criteria: Invitae Variant Classification Sherloc (09022015). Collection method: clinical testing. Allele origin: germline.
Comment: This sequence change replaces aspartic acid, which is acidic and polar, with alanine, which is neutral and non-polar, at codon 105 of the RNASEH2B protein (p.Asp105Ala). This variant is present in population databases (rs201078944, gnomAD 0.03%). This variant has not been reported in the literature in individuals affected with RNASEH2B-related conditions. ClinVar contains an entry for this variant (Variation ID: 569392). Algorithms developed to predict the effect of missense changes on protein structure and function (SIFT, PolyPhen-2, Align-GVGD) all suggest that this variant is likely to be tolerated. In summary, the available evidence is currently insufficient to determine the role of this variant in disease. Therefore, it has been classified as a Variant of Uncertain Significance.

Fulgent Genetics
Classification: Uncertain significance for Aicardi-Goutieres syndrome 2. Last evaluated: 2018-10-31. Review status: criteria provided, single submitter. Criteria: ACMG Guidelines, 2015. Collection method: clinical testing. Allele origin: unknown.

Illumina Laboratory Services, Illumina
Classification: Uncertain significance for Aicardi-Goutieres syndrome 2. Last evaluated: 2017-04-27. Review status: criteria provided, single submitter. Criteria: ICSL Variant Classification Criteria 13 December 2019. Collection method: clinical testing. Allele origin: germline.

NM_024570.4(RNASEH2B):c.314A>C (p.Asp105Ala)

Gene: RNASEH2B (ribonuclease H2 subunit B; plus strand). Cytogenetic location: 13q14.3.
Variant type: single nucleotide variant.
Coding change: c.314A>C on transcript NM_024570.4 (MANE Select); coding-DNA position 314, A replaced by C.
Protein change: p.Asp105Ala; replaces aspartic acid 105 with alanine.
Molecular consequence: missense variant.
Genome position (GRCh38, 1-based): chr13:50,930,752, A>C. VCF-style: chr13-50930752-A-C. GRCh37 (hg19) VCF-style: chr13-51504888-A-C.
Other names: c.314A>C, p.Asp105Ala (NM_001142279.2); short protein forms D105A.
Identifiers: ClinVar variation 569392 (VCV000569392.36), dbSNP rs201078944, ClinGen allele CA6985526.